The following is an entry in ClinVar:

NM_014425.5(INVS):c.1374C>A (p.Thr458=)

Gene: INVS (inversin; plus strand). Cytogenetic location: 9q31.1.
Variant type: single nucleotide variant.
Coding change: c.1374C>A on transcript NM_014425.5 (MANE Select); coding-DNA position 1374, C replaced by A.
Protein change: p.Thr458=; no amino-acid change (threonine 458 retained).
Molecular consequence: synonymous variant. On other transcripts: non-coding transcript variant (1).
Genome position (GRCh38, 1-based): chr9:100,253,046, C>A. VCF-style: chr9-100253046-C-A. GRCh37 (hg19) VCF-style: chr9-103015328-C-A.
Other names: c.1374C>A (NM_014425.4); c.1086C>A, p.Thr362= (NM_001318381.2); c.396C>A, p.Thr132= (NM_001318382.2).
Identifiers: ClinVar variation 700245 (VCV000700245.17), dbSNP rs114912725, ClinGen allele CA5158381.

ClinVar aggregate classification (germline): Conflicting classifications of pathogenicity. Review status: criteria provided, conflicting classifications (1 of 4 stars). 5 submissions from 5 submitters: Uncertain significance (1); Benign (1); Likely benign (2). 1 of the submissions does not count toward it. Last evaluated 2025-10-20.

Conditions:
INVS-related disorder. Also called: INVS-related condition.
Nephronophthisis. Also called: Juvenile Nephronophthisis. Identifiers: Orphanet 655, MedGen C0687120, MONDO:0019005, HP:0000090.
Infantile nephronophthisis (NPHP2). Also called: Nephronophthisis 2, infantile; Nephronophthisis 2. Identifiers: Orphanet 655, Orphanet 93591, MedGen C1865872, MONDO:0011190, OMIM 602088.

Allele frequency attached by ClinVar (database versions not stated): gnomAD 0.00013 and 0.00007; TOPMed 0.00014; gnomAD exomes 0.00028 and 0.00011; ExAC 0.00031; 1000 Genomes Project 30x 0.00047; 1000 Genomes Project 0.00060.
gnomAD v4.1: 174 of 1,613,888 alleles (0.011%); highest among the groups gnomAD compares: East Asian, 0.32%; 1 homozygote.

Submissions (5):

Labcorp Genetics (formerly Invitae), Labcorp
Classification: Benign for Nephronophthisis. Last evaluated: 2025-10-20. Review status: criteria provided, single submitter. Criteria: Invitae Variant Classification Sherloc (09022015). Collection method: clinical testing. Allele origin: germline.

Laboratory of Genetics, Children's Clinical University Hospital Latvia
Classification: Likely benign. Last evaluated: 2025-02-16. Review status: criteria provided, single submitter. Criteria: ACMG Guidelines, 2015. Collection method: clinical testing. Allele origin: germline. Affected: yes.

Blueprint Genetics
Classification: Likely benign. Last evaluated: 2024-10-23. Review status: criteria provided, single submitter. Criteria: ACMG Guidelines, 2015. Collection method: clinical testing. Allele origin: germline.

Illumina Laboratory Services, Illumina
Classification: Uncertain significance for Infantile nephronophthisis. Last evaluated: 2018-01-15. Review status: criteria provided, single submitter. Criteria: ICSL Variant Classification Criteria 13 December 2019. Collection method: clinical testing. Allele origin: germline.

PreventionGenetics, part of Exact Sciences
Classification: Likely benign for INVS-related condition. Last evaluated: 2022-06-15. Review status: no assertion criteria provided. Collection method: clinical testing. Allele origin: germline. Not counted in ClinVar's aggregate classification.
Comment: This variant is classified as likely benign based on ACMG/AMP sequence variant interpretation guidelines (Richards et al. 2015 PMID: 25741868, with internal and published modifications).